The following is an entry in ClinVar:

NM_000059.4(BRCA2):c.2650del (p.Ser884fs)

Gene: BRCA2 (BRCA2 DNA repair associated; plus strand). Cytogenetic location: 13q13.1.
Variant type: Deletion.
Coding change: c.2650del on transcript NM_000059.4 (MANE Select); coding-DNA position 2650, one base deleted (T; older notation c.2650delT).
Protein change: p.Ser884fs; shifts the reading frame from serine 884.
Molecular consequence: frameshift variant.
Genome position (GRCh38, 1-based): chr13:32,337,005, T deleted. VCF-style (leftmost placement, unchanged base first): chr13-32337004-CT-C. GRCh37 (hg19) VCF-style: chr13-32911141-CT-C.
Other names: 2878delT; short protein forms S884fs.
Identifiers: ClinVar variation 266712 (VCV000266712.5), dbSNP rs886040438, ClinGen allele CA10589165.
Genomic context (GRCh38, chr13:32,337,004, plus strand): 5'-TCAAGAAGAAACTACTTCAATTTCAAAAATAACTGTCAATCCAGACTCTGAAGAACTTTT[CT>C]CAGACAATGAGAATAATTTTGTCTTCCAAGTAGCTAATGAAAGGAATAATCTTGCTTTAG-3'

ClinVar aggregate classification (germline): Pathogenic. Review status: reviewed by expert panel (3 of 4 stars). 2 submissions from 2 submitters: Pathogenic (1). 1 of the submissions does not count toward it. Last evaluated 2016-10-18.

Conditions:
Breast-ovarian cancer, familial, susceptibility to, 2 (BROVCA2). Also called: BRCA2 Hereditary Breast and Ovarian Cancer. Identifiers: Orphanet 145, MedGen C2675520, MONDO:0012933, OMIM 612555. Disease mechanism: loss of function.

Submissions (2):

Evidence-based Network for the Interpretation of Germline Mutant Alleles (ENIGMA)
Classification: Pathogenic for Breast-ovarian cancer, familial, susceptibility to, 2. Last evaluated: 2016-10-18. Review status: reviewed by expert panel. Criteria: ENIGMA BRCA1/2 Classification Criteria (2015). Collection method: curation. Allele origin: germline.
Comment: Variant allele predicted to encode a truncated non-functional protein.

Consortium of Investigators of Modifiers of BRCA1/2 (CIMBA), c/o University of Cambridge
Classification: Pathogenic for Breast-ovarian cancer, familial, susceptibility to, 2. Last evaluated: 2015-10-02. Review status: criteria provided, single submitter. Criteria: CIMBA Mutation Classification guidelines May 2016. Collection method: clinical testing. Allele origin: germline. Not counted in ClinVar's aggregate classification.